The following is an entry in ClinVar:

ClinVar aggregate classification (germline): Uncertain significance (1 of 4 stars; one submission).

Conditions:
Generalized epilepsy with febrile seizures plus, type 7 (GEFSP7). Also called: GEFS+, TYPE 7. Identifiers: Orphanet 36387, MedGen C2751778, MONDO:0013470, OMIM 613863.
Neuropathy, hereditary sensory and autonomic, type 2A (HSAN2A). Also called: MORVAN DISEASE; NEUROPATHY, CONGENITAL SENSORY; NEUROPATHY, HEREDITARY SENSORY RADICULAR, AUTOSOMAL RECESSIVE; NEUROPATHY, HEREDITARY SENSORY, TYPE IIA; NEUROPATHY, PROGRESSIVE SENSORY, OF CHILDREN; ACROOSTEOLYSIS, GIACCAI TYPE. Identifiers: Orphanet 970, MedGen C2752089, MONDO:0024309, OMIM 201300.

Submission:

Labcorp Genetics (formerly Invitae), Labcorp
Classification: Uncertain significance for Neuropathy, hereditary sensory and autonomic, type 2A; Generalized epilepsy with febrile seizures plus, type 7. Last evaluated: 2023-08-10. Review status: criteria provided, single submitter. Criteria: Invitae Variant Classification Sherloc (09022015). Collection method: clinical testing. Allele origin: germline.
Comment: In summary, the available evidence is currently insufficient to determine the role of this variant in disease. Therefore, it has been classified as a Variant of Uncertain Significance. Advanced modeling of protein sequence and biophysical properties (such as structural, functional, and spatial information, amino acid conservation, physicochemical variation, residue mobility, and thermodynamic stability) performed at Invitae indicates that this missense variant is not expected to disrupt SCN9A protein function. ClinVar contains an entry for this variant (Variation ID: 1980239). This variant has not been reported in the literature in individuals affected with SCN9A-related conditions. This variant is not present in population databases (gnomAD no frequency). This sequence change replaces asparagine, which is neutral and polar, with serine, which is neutral and polar, at codon 1665 of the SCN9A protein (p.Asn1665Ser).

NM_001365536.1(SCN9A):c.5027A>G (p.Asn1676Ser)

Genes: SCN1A-AS1 (SCN1A and SCN9A antisense RNA 1; plus strand), SCN9A (sodium voltage-gated channel alpha subunit 9; minus strand). Cytogenetic location: 2q24.3.
Variant type: single nucleotide variant.
Coding change: c.5027A>G on transcript NM_001365536.1 (MANE Select); coding-DNA position 5027, A replaced by G.
Protein change: p.Asn1676Ser; replaces asparagine 1676 with serine.
Molecular consequence: missense variant.
Genome position (GRCh38, 1-based): chr2:166,199,612, T>C on the plus strand (A>G on the coding strand, the complement: SCN9A is on the minus strand). VCF-style: chr2-166199612-T-C. GRCh37 (hg19) VCF-style: chr2-167056122-T-C.
Other names: c.4994A>G, p.Asn1665Ser (NM_002977.4); short protein forms N1665S, N1676S.
Identifiers: ClinVar variation 1980239 (VCV001980239.4), dbSNP rs2468878244, ClinGen allele CA349054885.